The following is an entry in ClinVar:

NM_000388.4(CASR):c.1415A>C (p.Asn472Thr)

Gene: CASR (calcium sensing receptor; plus strand). Cytogenetic location: 3q21.1.
Variant type: single nucleotide variant.
Coding change: c.1415A>C on transcript NM_000388.4 (MANE Select); coding-DNA position 1415, A replaced by C.
Protein change: p.Asn472Thr; replaces asparagine 472 with threonine.
Molecular consequence: missense variant.
Genome position (GRCh38, 1-based): chr3:122,275,849, A>C. VCF-style: chr3-122275849-A-C. GRCh37 (hg19) VCF-style: chr3-121994696-A-C.
Other names: c.1415A>C, p.Asn472Thr (NM_001178065.2); short protein forms N472T.
Identifiers: ClinVar variation 1715431 (VCV001715431.6), dbSNP rs2473257566, ClinGen allele CA354154914.
Genomic context (GRCh38, chr3:122,275,849, plus strand): 5'-ACTCATTCTTTGCTCCTCTTTAGGTCCTGAAGCACCTACGGCATCTAAACTTTACAAACA[A>C]TATGGGGGAGCAGGTGACCTTTGATGAGTGTGGTGACCTGGTGGGGAACTATTCCATCAT-3'
Protein context (NP_000379.3, residues 462-482): KHLRHLNFTN[Asn472Thr]MGEQVTFDEC

ClinVar aggregate classification (germline): Uncertain significance (1 of 4 stars; one submission).

Conditions:
Autosomal dominant hypocalcemia 1 (HYPOC1). Also called: HYPOCALCEMIA, FAMILIAL. Identifiers: MedGen C3715128, MONDO:0011013, OMIM 601198.
Familial hypocalciuric hypercalcemia (FHH). Also called: Familial benign hypercalcemia. Identifiers: Orphanet 405, MedGen C1809471, MONDO:0018458.

Submission:

Labcorp Genetics (formerly Invitae), Labcorp
Classification: Uncertain significance for Familial hypocalciuric hypercalcemia; Autosomal dominant hypocalcemia 1. Last evaluated: 2023-01-24. Review status: criteria provided, single submitter. Criteria: Invitae Variant Classification Sherloc (09022015). Collection method: clinical testing. Allele origin: germline.
Comment: This variant has not been reported in the literature in individuals affected with CASR-related conditions. In summary, the available evidence is currently insufficient to determine the role of this variant in disease. Therefore, it has been classified as a Variant of Uncertain Significance. Algorithms developed to predict the effect of missense changes on protein structure and function are either unavailable or do not agree on the potential impact of this missense change (SIFT: "Deleterious"; PolyPhen-2: "Benign"; Align-GVGD: "Class C55"). ClinVar contains an entry for this variant (Variation ID: 1715431). This variant is not present in population databases (gnomAD no frequency). This sequence change replaces asparagine, which is neutral and polar, with threonine, which is neutral and polar, at codon 472 of the CASR protein (p.Asn472Thr).